The following is an entry in ClinVar:

NM_002439.5(MSH3):c.409T>C (p.Leu137=)

Gene: MSH3 (mutS homolog 3; plus strand). Cytogenetic location: 5q14.1.
Variant type: single nucleotide variant.
Coding change: c.409T>C on transcript NM_002439.5 (MANE Select); coding-DNA position 409, T replaced by C.
Protein change: p.Leu137=; no amino-acid change (leucine 137 retained).
Molecular consequence: synonymous variant.
Genome position (GRCh38, 1-based): chr5:80,665,193, T>C. VCF-style: chr5-80665193-T-C. GRCh37 (hg19) VCF-style: chr5-79961012-T-C.
Identifiers: ClinVar variation 737203 (VCV000737203.24), dbSNP rs370894909, ClinGen allele CA3327597.
Genomic context (GRCh38, chr5:80,665,193, plus strand): 5'-GCTGCCTAAGAGCCAAAGAAATGTCTGAGGACCAGGAATGTTTCAAAGTCTCTGGAAAAA[T>C]TGAAAGAATTCTGCTGCGATTCTGCCCTTCCTCAAAGTAGAGTCCAGACAGAATCTCTGC-3'
Protein context (NP_002430.3, residues 127-147): TRNVSKSLEK[Leu137=]KEFCCDSALP

ClinVar aggregate classification (germline): Likely benign. Review status: criteria provided, multiple submitters, no conflicts (2 of 4 stars). 5 submissions from 5 submitters: Likely benign (4). 1 of the submissions does not count toward it. Last evaluated 2025-12-13.

Conditions:
MSH3-related disorder. Also called: MSH3-related condition.
Hereditary cancer-predisposing syndrome. Also called: Hereditary Cancer Syndrome; Neoplastic Syndromes, Hereditary; Hereditary neoplastic syndrome; Tumor predisposition. Identifiers: Orphanet 140162, MedGen C0027672, MeSH D009386, MONDO:0015356.

Allele frequency attached by ClinVar (database versions not stated): ExAC 0.00002; gnomAD 0.00002 and 0.00003; TOPMed 0.00004; gnomAD exomes 0.00005; ESP Exome Variant Server 0.00015.
gnomAD v4.1: 93 of 1,613,868 alleles (0.0058%); highest among the groups gnomAD compares: Non-Finnish European, 0.0057%; no homozygotes.

Submissions (5):

Labcorp Genetics (formerly Invitae), Labcorp
Classification: Likely benign. Last evaluated: 2025-12-13. Review status: criteria provided, single submitter. Criteria: Invitae Variant Classification Sherloc (09022015). Collection method: clinical testing. Allele origin: germline.

CeGaT Center for Human Genetics Tuebingen
Classification: Likely benign. Last evaluated: 2025-10-01. Review status: criteria provided, single submitter. Criteria: CeGaT Center For Human Genetics Tuebingen Variant Classification Criteria Version 2. Collection method: clinical testing. Allele origin: germline. Affected: yes. Observed: 1 variant allele.
Comment: MSH3: BP4, BP7

Sema4
Classification: Likely benign for Hereditary cancer-predisposing syndrome. Last evaluated: 2021-09-08. Review status: criteria provided, single submitter. Criteria: Sema4 Curation Guidelines. Collection method: curation. Allele origin: germline.

Ambry Genetics
Classification: Likely benign for Hereditary cancer-predisposing syndrome. Last evaluated: 2018-11-15. Review status: criteria provided, single submitter. Criteria: Ambry Variant Classification Scheme 2023. Collection method: clinical testing. Allele origin: germline.

PreventionGenetics, part of Exact Sciences
Classification: Likely benign for MSH3-related condition. Last evaluated: 2023-11-03. Review status: no assertion criteria provided. Collection method: clinical testing. Allele origin: germline. Not counted in ClinVar's aggregate classification.
Comment: This variant is classified as likely benign based on ACMG/AMP sequence variant interpretation guidelines (Richards et al. 2015 PMID: 25741868, with internal and published modifications).